The following is an entry in ClinVar:

NM_000632.4(ITGAM):c.1448A>G (p.Tyr483Cys)

Gene: ITGAM (integrin subunit alpha M; plus strand). Cytogenetic location: 16p11.2.
Variant type: single nucleotide variant.
Coding change: c.1448A>G on transcript NM_000632.4 (MANE Select); coding-DNA position 1448, A replaced by G.
Protein change: p.Tyr483Cys; replaces tyrosine 483 with cysteine.
Molecular consequence: missense variant.
Genome position (GRCh38, 1-based): chr16:31,297,605, A>G. VCF-style: chr16-31297605-A-G. GRCh37 (hg19) VCF-style: chr16-31308926-A-G.
Other names: c.1448A>G, p.Tyr483Cys (NM_001145808.2); short protein forms Y483C.
Identifiers: ClinVar variation 2025748 (VCV002025748.4), dbSNP rs2544439438, ClinGen allele CA395669521.

ClinVar aggregate classification (germline): Uncertain significance (1 of 4 stars; one submission).

Submission:

Labcorp Genetics (formerly Invitae), Labcorp
Classification: Uncertain significance. Last evaluated: 2022-12-02. Review status: criteria provided, single submitter. Criteria: Invitae Variant Classification Sherloc (09022015). Collection method: clinical testing. Allele origin: germline.
Comment: This sequence change replaces tyrosine, which is neutral and polar, with cysteine, which is neutral and slightly polar, at codon 483 of the ITGAM protein (p.Tyr483Cys). In summary, the available evidence is currently insufficient to determine the role of this variant in disease. Therefore, it has been classified as a Variant of Uncertain Significance. Algorithms developed to predict the effect of missense changes on protein structure and function (SIFT, PolyPhen-2, Align-GVGD) all suggest that this variant is likely to be disruptive. This variant has not been reported in the literature in individuals affected with ITGAM-related conditions. This variant is not present in population databases (gnomAD no frequency).